The following is an entry in ClinVar:

ClinVar aggregate classification (germline): Likely pathogenic. Review status: criteria provided, single submitter (1 of 4 stars). 2 submissions from 2 submitters: Likely pathogenic (1). 1 of the submissions does not count toward it. Last evaluated 2025-06-02.

Conditions:
GNE myopathy (NM). Also called: NONAKA DISTAL MYOPATHY; INCLUSION BODY MYOPATHY, HEREDITARY, AUTOSOMAL RECESSIVE; INCLUSION BODY MYOPATHY 2, AUTOSOMAL RECESSIVE; MYOPATHY, DISTAL, WITH OR WITHOUT RIMMED VACUOLES; IBM 2; Inclusion body myopathy autosomal recessive. Identifiers: Orphanet 602, MedGen C1853926, MONDO:0011603, OMIM 605820.

Allele frequency attached by ClinVar (database versions not stated): gnomAD exomes below 0.00001.

Submissions (2):

Natera, Inc.
Classification: Likely pathogenic for Nonaka myopathy. Last evaluated: 2025-06-02. Review status: criteria provided, single submitter. Criteria: Natera Variant Classification Schema (03/2026). Collection method: clinical testing. Allele origin: germline.
Comment: The c.604A>G variant in GNE is a missense variant predicted to cause substitution of methionine to valine at amino acid 202. This variant is rare in the general population with a frequency below the threshold expected for the associated phenotype(s). This variant has been observed in one or more individuals affected with the associated recessive disease, as either homozygous or compound heterozygous with a second variant (PMID: 35438352, 12473780). Additionally, this variant has been observed to segregate in affected family members (PMID: 12473780). Computational prediction algorithms indicate this variant is likely to affect gene or protein function. Given the available evidence, this variant is classified as Likely Pathogenic.

OMIM
Classification: Pathogenic for NONAKA MYOPATHY. Last evaluated: 2002-12-10. Review status: no assertion criteria provided. Collection method: literature only. Allele origin: germline. Not counted in ClinVar's aggregate classification.

Literature cited by the submitters: PubMed 35438352 (cited by Natera, Inc.); PubMed 12473780 (cited by Natera, Inc. and OMIM).

NM_005476.7(GNE):c.511A>G (p.Met171Val)

Gene: GNE (glucosamine (UDP-N-acetyl)-2-epimerase/N-acetylmannosamine kinase; minus strand). Cytogenetic location: 9p13.3.
Variant type: single nucleotide variant.
Coding change: c.511A>G on transcript NM_005476.7 (MANE Select); coding-DNA position 511, A replaced by G.
Protein change: p.Met171Val; replaces methionine 171 with valine.
Molecular consequence: missense variant.
Genome position (GRCh38, 1-based): chr9:36,246,136, T>C on the plus strand (A>G on the coding strand, the complement: GNE is on the minus strand). VCF-style: chr9-36246136-T-C. GRCh37 (hg19) VCF-style: chr9-36246133-T-C.
Other names: c.604A>G (NM_001128227.2); c.604A>G, p.Met202Val (NM_001128227.3); c.511A>G, p.Met171Val (NM_001190383.3, NM_001374797.1); c.334A>G, p.Met112Val (NM_001190384.3, NM_001190388.2, NM_001374798.1); short protein forms M171V, M112V, M202V.
Identifiers: ClinVar variation 6036 (VCV000006036.3), dbSNP rs121908634, ClinGen allele CA253719.
Genomic context (GRCh38, chr9:36,246,136, plus strand): 5'-AGAGAAGTTTGTCATAGGAAGGGCAGCCTGCCAAAAGGATGCGATCATGGTCCTCACACA[T>C]GGATATCAGGTGCTGCTCTGCACTGCGGGTGCAGCACACATGATAATGAGCCAGTTTTGT-3'
Protein context (NP_005467.1, residues 161-181): TRSAEQHLIS[Met171Val]CEDHDRILLA